The following is an entry in ClinVar:

ClinVar aggregate classification (germline): Uncertain significance. Review status: criteria provided, multiple submitters, no conflicts (2 of 4 stars). 4 submissions from 4 submitters: Uncertain significance (4). Last evaluated 2025-01-27.

Conditions:
Charcot-Marie-Tooth disease type 4. Also called: Charcot-Marie-Tooth disease, type IV; Charcot-Marie-Tooth, Type 4. Identifiers: Orphanet 64749, MedGen C4082197, MONDO:0018995.
Charcot-Marie-Tooth disease type 4B2. Also called: Charcot-Marie-Tooth Neuropathy Type 4B2; CHARCOT-MARIE-TOOTH DISEASE, WITH FOCALLY FOLDED MYELIN SHEATHS, AUTOSOMAL RECESSIVE, TYPE 4B2; CMT 4B2; CHARCOT-MARIE-TOOTH DISEASE, DEMYELINATING, TYPE 4B2. Identifiers: Orphanet 99956, MedGen C1858278, MONDO:0011475, OMIM 604563.
Inborn genetic diseases. Identifiers: MedGen C0950123, MeSH D030342.

Allele frequency attached by ClinVar (database versions not stated): gnomAD 0.00004 and 0.00005; TOPMed 0.00004; gnomAD exomes 0.00010 and 0.00011; ExAC 0.00012.
gnomAD v4.1: 151 of 1,613,838 alleles (0.0094%); highest among the groups gnomAD compares: Non-Finnish European, 0.012%; 1 homozygote.

Submissions (4):

Labcorp Genetics (formerly Invitae), Labcorp
Classification: Uncertain significance for Charcot-Marie-Tooth disease type 4. Last evaluated: 2025-01-27. Review status: criteria provided, single submitter. Criteria: Invitae Variant Classification Sherloc (09022015). Collection method: clinical testing. Allele origin: germline.
Comment: This sequence change replaces lysine, which is basic and polar, with arginine, which is basic and polar, at codon 825 of the SBF2 protein (p.Lys825Arg). This variant is present in population databases (rs753921188, gnomAD 0.02%). This variant has not been reported in the literature in individuals affected with SBF2-related conditions. ClinVar contains an entry for this variant (Variation ID: 306598). Invitae Evidence Modeling of protein sequence and biophysical properties (such as structural, functional, and spatial information, amino acid conservation, physicochemical variation, residue mobility, and thermodynamic stability) indicates that this missense variant is not expected to disrupt SBF2 protein function with a negative predictive value of 80%. In summary, the available evidence is currently insufficient to determine the role of this variant in disease. Therefore, it has been classified as a Variant of Uncertain Significance.

Ambry Genetics
Classification: Uncertain significance for Inborn genetic diseases. Last evaluated: 2024-11-12. Review status: criteria provided, single submitter. Criteria: Ambry Variant Classification Scheme 2023. Collection method: clinical testing. Allele origin: germline.

GeneDx
Classification: Uncertain significance. Last evaluated: 2019-04-10. Review status: criteria provided, single submitter. Criteria: GeneDx Variant Classification Process June 2021. Collection method: clinical testing. Allele origin: germline. Affected: yes.
Comment: In silico analysis, which includes protein predictors and evolutionary conservation, supports that this variant does not alter protein structure/function; Has not been previously published as pathogenic or benign to our knowledge

Illumina Laboratory Services, Illumina
Classification: Uncertain significance for Charcot-Marie-Tooth disease type 4B2. Last evaluated: 2018-01-13. Review status: criteria provided, single submitter. Criteria: ICSL Variant Classification Criteria 13 December 2019. Collection method: clinical testing. Allele origin: germline.

NM_030962.4(SBF2):c.2474A>G (p.Lys825Arg)

Genes: SBF2 (SET binding factor 2; minus strand), LOC101928008 (uncharacterized LOC101928008; plus strand). Cytogenetic location: 11p15.4.
Variant type: single nucleotide variant.
Coding change: c.2474A>G on transcript NM_030962.4 (MANE Select); coding-DNA position 2474, A replaced by G.
Protein change: p.Lys825Arg; replaces lysine 825 with arginine.
Molecular consequence: missense variant.
Genome position (GRCh38, 1-based): chr11:9,853,602, T>C on the plus strand (A>G on the coding strand, the complement: SBF2 is on the minus strand). VCF-style: chr11-9853602-T-C. GRCh37 (hg19) VCF-style: chr11-9875149-T-C.
Other names: c.2474A>G, p.Lys825Arg (NM_001386339.1); c.2345A>G, p.Lys782Arg (NM_001386342.1); short protein forms K825R, K782R.
Identifiers: ClinVar variation 306598 (VCV000306598.17), dbSNP rs753921188, ClinGen allele CA5881554.